The following is an entry in ClinVar:

ClinVar aggregate classification (germline): Uncertain significance (1 of 4 stars; one submission).

gnomAD v4.1: 1 of 1,614,150 alleles (0.000062%); highest among the groups gnomAD compares: Non-Finnish European, 0.000085%; no homozygotes.

Submission:

Labcorp Genetics (formerly Invitae), Labcorp
Classification: Uncertain significance. Last evaluated: 2021-06-28. Review status: criteria provided, single submitter. Criteria: Invitae Variant Classification Sherloc (09022015). Collection method: clinical testing. Allele origin: germline.
Comment: This variant has not been reported in the literature in individuals affected with SETBP1-related conditions. This sequence change replaces alanine with threonine at codon 486 of the SETBP1 protein (p.Ala486Thr). The alanine residue is highly conserved and there is a small physicochemical difference between alanine and threonine. Algorithms developed to predict the effect of missense changes on protein structure and function output the following: SIFT: "Tolerated"; PolyPhen-2: "Benign"; Align-GVGD: "Class C0". The threonine amino acid residue is found in multiple mammalian species, which suggests that this missense change does not adversely affect protein function. In summary, the available evidence is currently insufficient to determine the role of this variant in disease. Therefore, it has been classified as a Variant of Uncertain Significance. This variant is not present in population databases (ExAC no frequency).

NM_015559.3(SETBP1):c.1456G>A (p.Ala486Thr)

Gene: SETBP1 (SET binding protein 1; plus strand). Cytogenetic location: 18q12.3.
Variant type: single nucleotide variant.
Coding change: c.1456G>A on transcript NM_015559.3 (MANE Select); coding-DNA position 1456, G replaced by A.
Protein change: p.Ala486Thr; replaces alanine 486 with threonine.
Molecular consequence: missense variant.
Genome position (GRCh38, 1-based): chr18:44,950,796, G>A. VCF-style: chr18-44950796-G-A. GRCh37 (hg19) VCF-style: chr18-42530761-G-A.
Other names: c.1456G>A, p.Ala486Thr (NM_001379141.1, NM_001379142.1); short protein forms A486T.
Identifiers: ClinVar variation 1432427 (VCV001432427.8), dbSNP rs1762640368, ClinGen allele CA402318568.